The following is an entry in ClinVar:

NM_000138.5(FBN1):c.5960G>T (p.Gly1987Val)

Gene: FBN1 (fibrillin 1; minus strand). Cytogenetic location: 15q21.1.
Variant type: single nucleotide variant.
Coding change: c.5960G>T on transcript NM_000138.5 (MANE Select); coding-DNA position 5960, G replaced by T.
Protein change: p.Gly1987Val; replaces glycine 1987 with valine.
Molecular consequence: missense variant.
Genome position (GRCh38, 1-based): chr15:48,444,618, C>A on the plus strand (G>T on the coding strand, the complement: FBN1 is on the minus strand). VCF-style: chr15-48444618-C-A. GRCh37 (hg19) VCF-style: chr15-48736815-C-A.
Other names: c.5960G>T, p.Gly1987Val (NM_001406716.1); short protein forms G1987V.
Identifiers: ClinVar variation 4783791 (VCV004783791.1).

ClinVar aggregate classification (germline): Pathogenic (1 of 4 stars; one submission).

Conditions:
Marfan syndrome (MFS). Also called: FBN1-Related Marfan Syndrome; MARFAN SYNDROME, TYPE I; Marfan syndrome type 1; Marfan's syndrome; Marfan syndrome, classic. Identifiers: Orphanet 284963, Orphanet 558, MedGen C0024796, MONDO:0007947, OMIM 154700.
Familial thoracic aortic aneurysm and aortic dissection (TAAD). Also called: Thoracic aortic aneurysms and dissections. Identifiers: Orphanet 91387, MedGen C4707243, MONDO:0019625.

Submission:

Labcorp Genetics (formerly Invitae), Labcorp
Classification: Pathogenic for Marfan syndrome; Familial thoracic aortic aneurysm and aortic dissection. Last evaluated: 2026-01-11. Review status: criteria provided, single submitter. Criteria: Invitae Variant Classification Sherloc (09022015). Collection method: clinical testing. Allele origin: germline.
Comment: This sequence change replaces glycine, which is neutral and non-polar, with valine, which is neutral and non-polar, at codon 1987 of the FBN1 protein (p.Gly1987Val). This variant is not present in population databases (gnomAD no frequency). This missense change has been observed in individual(s) with Marfan syndrome (PMID: 19293843; internal data). Invitae Evidence Modeling of protein sequence and biophysical properties (such as structural, functional, and spatial information, amino acid conservation, physicochemical variation, residue mobility, and thermodynamic stability) indicates that this missense variant is expected to disrupt FBN1 protein function with a positive predictive value of 95%. This variant disrupts the p.Gly1987Ala amino acid residue in FBN1. Other variant(s) that disrupt this residue have been determined to be pathogenic (PMID: 11524736, 19293843; internal data). This suggests that this residue is clinically significant, and that variants that disrupt this residue are likely to be disease-causing. For these reasons, this variant has been classified as Pathogenic.

Literature cited by the submitters: PubMed 19293843; PubMed 11524736.